The following is an entry in ClinVar:

NM_020911.2(PLXNA4):c.3718G>A (p.Val1240Ile)

Gene: PLXNA4 (plexin A4; minus strand). Cytogenetic location: 7q32.3.
Variant type: single nucleotide variant.
Coding change: c.3718G>A on transcript NM_020911.2 (MANE Select); coding-DNA position 3718, G replaced by A.
Protein change: p.Val1240Ile; replaces valine 1240 with isoleucine.
Molecular consequence: missense variant.
Genome position (GRCh38, 1-based): chr7:132,179,843, C>T on the plus strand (G>A on the coding strand, the complement: PLXNA4 is on the minus strand). VCF-style: chr7-132179843-C-T. GRCh37 (hg19) VCF-style: chr7-131864602-C-T.
Other names: c.3718G>A, p.Val1240Ile (NM_001393897.1); short protein forms V1240I.
Identifiers: ClinVar variation 4981846 (VCV004981846.1).

ClinVar aggregate classification (germline): Uncertain significance (1 of 4 stars; one submission).

Conditions:
PLXNA4-related disorder. Also called: PLXNA4-related condition.

gnomAD v4.1: 53 of 1,613,394 alleles (0.0033%); highest among the groups gnomAD compares: Non-Finnish European, 0.0041%; no homozygotes.

Submission:

PreventionGenetics, part of Exact Sciences
Classification: Uncertain significance for PLXNA4-related condition. Last evaluated: 2025-01-30. Review status: criteria provided, single submitter. Criteria: ACMG Guidelines, 2015. Collection method: clinical testing. Allele origin: germline.
Comment: The PLXNA4 c.3718G>A variant is predicted to result in the amino acid substitution p.Val1240Ile. To our knowledge, this variant has not been reported in the literature. This variant is reported in 0.0041% of alleles in individuals of European (Finnish) descent in gnomAD. At this time, the clinical significance of this variant is uncertain due to the absence of conclusive functional and genetic evidence.